The following is an entry in ClinVar:

NM_000260.4(MYO7A):c.4319A>G (p.Lys1440Arg)

Gene: MYO7A (myosin VIIA; plus strand). Cytogenetic location: 11q13.5.
Variant type: single nucleotide variant.
Coding change: c.4319A>G on transcript NM_000260.4 (MANE Select); coding-DNA position 4319, A replaced by G.
Protein change: p.Lys1440Arg; replaces lysine 1440 with arginine.
Molecular consequence: missense variant.
Genome position (GRCh38, 1-based): chr11:77,194,520, A>G. VCF-style: chr11-77194520-A-G. GRCh37 (hg19) VCF-style: chr11-76905565-A-G.
Other names: c.4319A>G, p.Lys1440Arg (NM_001127180.2); c.4286A>G, p.Lys1429Arg (NM_001369365.1); short protein forms K1429R, K1440R.
Identifiers: ClinVar variation 4761035 (VCV004761035.1).

ClinVar aggregate classification (germline): Uncertain significance (1 of 4 stars; one submission).

gnomAD v4.1: 2 of 1,594,510 alleles (0.00013%); highest among the groups gnomAD compares: Middle Eastern, 0.017%; no homozygotes.

Submission:

Labcorp Genetics (formerly Invitae), Labcorp
Classification: Uncertain significance. Last evaluated: 2025-07-29. Review status: criteria provided, single submitter. Criteria: Invitae Variant Classification Sherloc (09022015). Collection method: clinical testing. Allele origin: germline.
Comment: This sequence change replaces lysine, which is basic and polar, with arginine, which is basic and polar, at codon 1440 of the MYO7A protein (p.Lys1440Arg). This variant is not present in population databases (gnomAD no frequency). This variant has not been reported in the literature in individuals affected with MYO7A-related conditions. Invitae Evidence Modeling of protein sequence and biophysical properties (such as structural, functional, and spatial information, amino acid conservation, physicochemical variation, residue mobility, and thermodynamic stability) indicates that this missense variant is not expected to disrupt MYO7A protein function with a negative predictive value of 95%. In summary, the available evidence is currently insufficient to determine the role of this variant in disease. Therefore, it has been classified as a Variant of Uncertain Significance.